The following is an entry in ClinVar:

ClinVar aggregate classification (germline): Uncertain significance (1 of 4 stars; one submission).

Conditions:
Leigh syndrome (NULS). Also called: Leigh's necrotizing encephalopathy; Leigh's disease; Leigh Syndrome (mtDNA deletion); Leigh Disease; Subacute necrotizing encephalopathy; Necrotizing encephalopathy infantile subacute of Leigh. Identifiers: Orphanet 506, MedGen C2931891, MONDO:0009723, OMIM 256000.

Submission:

Wong Mito Lab, Molecular and Human Genetics, Baylor College of Medicine
Classification: Uncertain significance for Leigh syndrome. Last evaluated: 2019-10-17. Review status: criteria provided, single submitter. Criteria: Modified ACMG Guidelines (Unpublished). Collection method: clinical testing. Allele origin: germline.
Comment: The NC_012920.1:m.9981T>G (YP_003024032.1:p.Trp259Gly) variant in MTCO3 gene is interpretated to be a Uncertain Significance variant based on the modified ACMG guidelines (unpublished). This variant meets the following evidence codes: PP7

NC_012920.1(MT-CO3):m.9981T>G

Gene: MT-CO3 (mitochondrially encoded cytochrome c oxidase III; plus strand).
Variant type: single nucleotide variant.
Genome position: chrM-9981-T-G.
Identifiers: ClinVar variation 693256 (VCV000693256.1), dbSNP rs1603222606, ClinGen allele CA414804158.
Genomic context (GRCh38, chrMT:9,981, plus strand): 5'-GCCTGATACTGGCATTTTGTAGATGTGGTTTGACTATTTCTGTATGTCTCCATCTATTGA[T>G]GAGGGTCTTACTCTTTTAGTATAAATAGTACCGTTAACTTCCAATTAACTAGTTTTGACA-3'